The following is an entry in ClinVar:

ClinVar aggregate classification (germline): Uncertain significance (1 of 4 stars; one submission).

Conditions:
Combined oxidative phosphorylation defect type 17. Also called: Combined oxidative phosphorylation deficiency 17. Identifiers: Orphanet 369913, MedGen C3809526, MONDO:0014190, OMIM 615440.

Submission:

Labcorp Genetics (formerly Invitae), Labcorp
Classification: Uncertain significance for Combined oxidative phosphorylation defect type 17. Last evaluated: 2025-05-05. Review status: criteria provided, single submitter. Criteria: Invitae Variant Classification Sherloc (09022015). Collection method: clinical testing. Allele origin: germline.
Comment: This sequence change replaces phenylalanine, which is neutral and non-polar, with valine, which is neutral and non-polar, at codon 361 of the ELAC2 protein (p.Phe361Val). This variant is not present in population databases (gnomAD no frequency). This variant has not been reported in the literature in individuals affected with ELAC2-related conditions. ClinVar contains an entry for this variant (Variation ID: 1722309). An algorithm developed to predict the effect of missense changes on protein structure and function (PolyPhen-2) suggests that this variant is likely to be disruptive. In summary, the available evidence is currently insufficient to determine the role of this variant in disease. Therefore, it has been classified as a Variant of Uncertain Significance.

NM_018127.7(ELAC2):c.1081T>G (p.Phe361Val)

Gene: ELAC2 (elaC ribonuclease Z 2; minus strand). Cytogenetic location: 17p12.
Variant type: single nucleotide variant.
Coding change: c.1081T>G on transcript NM_018127.7 (MANE Select); coding-DNA position 1081, T replaced by G.
Protein change: p.Phe361Val; replaces phenylalanine 361 with valine.
Molecular consequence: missense variant.
Genome position (GRCh38, 1-based): chr17:13,002,578, A>C on the plus strand (T>G on the coding strand, the complement: ELAC2 is on the minus strand). VCF-style: chr17-13002578-A-C. GRCh37 (hg19) VCF-style: chr17-12905895-A-C.
Other names: c.961T>G, p.Phe321Val (NM_001165962.2); c.1081T>G, p.Phe361Val (NM_173717.2); short protein forms F321V, F361V.
Identifiers: ClinVar variation 1722309 (VCV001722309.5), dbSNP rs2508284469, ClinGen allele CA398225588.